The following is an entry in ClinVar:

ClinVar aggregate classification (germline): Conflicting classifications of pathogenicity. Review status: criteria provided, conflicting classifications (1 of 4 stars). 5 submissions from 5 submitters: Uncertain significance (1); Benign (1); Likely benign (3). Last evaluated 2025-05-18.

Conditions:
Noonan syndrome and Noonan-related syndrome. Identifiers: Orphanet 98733, MedGen C5681679, MONDO:0020297.
RASopathy. Also called: rasopathies; Noonan spectrum disorder. Identifiers: Orphanet 536391, MedGen C5555857, MONDO:0021060.

Allele frequency attached by ClinVar (database versions not stated): ExAC 0.00003; TOPMed 0.00003; gnomAD 0.00004 and 0.00005; gnomAD exomes 0.00004.
gnomAD v4.1: 64 of 1,613,790 alleles (0.004%); highest among the groups gnomAD compares: Non-Finnish European, 0.0051%; no homozygotes.

Submissions (5):

Labcorp Genetics (formerly Invitae), Labcorp
Classification: Likely benign for RASopathy. Last evaluated: 2025-05-18. Review status: criteria provided, single submitter. Criteria: Invitae Variant Classification Sherloc (09022015). Collection method: clinical testing. Allele origin: germline.

Women's Health and Genetics/Laboratory Corporation of America, LabCorp
Classification: Benign. Last evaluated: 2024-11-11. Review status: criteria provided, single submitter. Criteria: LabCorp Variant Classification Summary - May 2015. Collection method: clinical testing. Allele origin: germline.
Comment: Variant summary: MAP2K2 c.93-6C>T alters a nucleotide located close to a canonical splice site and therefore could affect mRNA splicing, leading to a significantly altered protein sequence. Consensus agreement among computation tools predict no significant impact on normal splicing. However, these predictions have yet to be confirmed by functional studies. The variant allele was found at a frequency of 3.5e-05 in 282392 control chromosomes. The observed variant frequency is approximately 14 fold of the estimated maximal expected allele frequency for a pathogenic variant in MAP2K2 causing Noonan Syndrome And Related Conditions phenotype (2.5e-06). To our knowledge, c.93-6C>T has not been reported in the literature in individuals affected with Noonan Syndrome and Related Conditions and no experimental evidence demonstrating an impact on protein function has been reported. ClinVar contains an entry for this variant (Variation ID: 179389). Based on the evidence outlined above, the variant was classified as benign.

Genome Diagnostics Laboratory, The Hospital for Sick Children
Classification: Likely benign for Noonan syndrome and Noonan-related syndrome. Last evaluated: 2020-07-01. Review status: criteria provided, single submitter. Criteria: ACMG Guidelines, 2015. Collection method: clinical testing. Allele origin: germline.

GeneDx
Classification: Likely benign. Last evaluated: 2019-02-11. Review status: criteria provided, single submitter. Criteria: GeneDx Variant Classification Process June 2021. Collection method: clinical testing. Allele origin: germline. Affected: yes.

Laboratory for Molecular Medicine, Mass General Brigham Personalized Medicine
Classification: Uncertain significance. Last evaluated: 2013-10-25. Review status: criteria provided, single submitter. Criteria: LMM Criteria. Collection method: clinical testing. Allele origin: germline. Observed: 1 variant allele.
Comment: The 93-6C>T variant in MEK2 has not been previously identified in individuals wi th Noonan spectrum disorders or in large population studies. This variant is loc ated in the 3' splice region and does not affect the coding sequence of the gene . Although we cannot rule out a deleterious impact on the regulation of splicing or translation of MEK2, to date no pathogenic variants have been found in this region of the transcript. In summary, additional studies are needed to fully ass ess the clinical significance of the 93-6C>T variant.

Literature cited by the submitters: PubMed 29654263 (cited by Women's Health and Genetics/Laboratory Corporation of America, LabCorp).

NM_030662.4(MAP2K2):c.93-6C>T

Gene: MAP2K2 (mitogen-activated protein kinase kinase 2; minus strand). Cytogenetic location: 19p13.3.
Variant type: single nucleotide variant.
Coding change: c.93-6C>T on transcript NM_030662.4 (MANE Select); 6 bases into the intron before coding-DNA position 93, C replaced by T.
Molecular consequence: intron variant.
Genome position (GRCh38, 1-based): chr19:4,117,635, G>A on the plus strand (C>T on the coding strand, the complement: MAP2K2 is on the minus strand). VCF-style: chr19-4117635-G-A. GRCh37 (hg19) VCF-style: chr19-4117633-G-A.
Identifiers: ClinVar variation 179389 (VCV000179389.22), dbSNP rs727504836, ClinGen allele CA184327.